The following is an entry in ClinVar:

NM_001080512.3(BICC1):c.2047C>T (p.Leu683=)

Gene: BICC1 (BicC family RNA binding protein 1; plus strand). Cytogenetic location: 10q21.1.
Variant type: single nucleotide variant.
Coding change: c.2047C>T on transcript NM_001080512.3 (MANE Select); coding-DNA position 2047, C replaced by T.
Protein change: p.Leu683=; no amino-acid change (leucine 683 retained).
Molecular consequence: synonymous variant.
Genome position (GRCh38, 1-based): chr10:58,803,108, C>T. VCF-style: chr10-58803108-C-T. GRCh37 (hg19) VCF-style: chr10-60562868-C-T.
Other names: p.Leu683=.
Identifiers: ClinVar variation 1526374 (VCV001526374.12), dbSNP rs150269030, ClinGen allele CA5508693.

ClinVar aggregate classification (germline): Benign/Likely benign. Review status: criteria provided, multiple submitters, no conflicts (2 of 4 stars). 6 submissions from 6 submitters: Benign (2); Likely benign (4). Last evaluated 2026-01-06.

Conditions:
BICC1-related disorder. Also called: BICC1-related condition.
Renal dysplasia, cystic, susceptibility to. Identifiers: MedGen C3275898, MONDO:0011037, OMIM 601331.

Allele frequency attached by ClinVar (database versions not stated): gnomAD 0.00396; ESP Exome Variant Server 0.00415; TOPMed 0.00416; 1000 Genomes Project 0.00479; 1000 Genomes Project 30x 0.00500.

Submissions (6):

Labcorp Genetics (formerly Invitae), Labcorp
Classification: Benign. Last evaluated: 2026-01-06. Review status: criteria provided, single submitter. Criteria: Invitae Variant Classification Sherloc (09022015). Collection method: clinical testing. Allele origin: germline.

Mayo Clinic Laboratories, Mayo Clinic
Classification: Likely benign. Last evaluated: 2025-12-14. Review status: criteria provided, single submitter. Criteria: ACMG Guidelines, 2015. Collection method: clinical testing. Allele origin: germline. Observed: 1 variant allele.
Comment: BS1, BP4, BP7

PreventionGenetics, part of Exact Sciences
Classification: Benign for BICC1-related condition. Last evaluated: 2024-10-17. Review status: criteria provided, single submitter. Criteria: ACMG Guidelines, 2015. Collection method: clinical testing. Allele origin: germline.
Comment: This variant is classified as benign based on ACMG/AMP sequence variant interpretation guidelines (Richards et al. 2015 PMID: 25741868, with internal and published modifications).

GeneDx
Classification: Likely benign. Last evaluated: 2021-09-27. Review status: criteria provided, single submitter. Criteria: GeneDx Variant Classification Process June 2021. Collection method: clinical testing. Allele origin: germline. Affected: yes.

Fulgent Genetics
Classification: Likely benign for Renal dysplasia, cystic, susceptibility to. Last evaluated: 2021-07-21. Review status: criteria provided, single submitter. Criteria: ACMG Guidelines, 2015. Collection method: clinical testing. Allele origin: unknown.

Breakthrough Genomics
Classification: Likely benign. Review status: criteria provided, single submitter. Criteria: ACMG Guidelines, 2015. Collection method: not provided. Allele origin: germline. Inheritance: Autosomal dominant inheritance. Affected: yes.